The following is an entry in ClinVar:

NM_000514.4(GDNF):c.*1004T>C

Gene: GDNF (glial cell derived neurotrophic factor; minus strand). Cytogenetic location: 5p13.2.
Variant type: single nucleotide variant.
Coding change: c.*1004T>C on transcript NM_000514.4 (MANE Select); 1004 bases downstream of the stop codon, T replaced by C.
Molecular consequence: 3 prime UTR variant.
Genome position (GRCh38, 1-based): chr5:37,814,647, A>G on the plus strand (T>C on the coding strand, the complement: GDNF is on the minus strand). VCF-style: chr5-37814647-A-G. GRCh37 (hg19) VCF-style: chr5-37814749-A-G.
Other names: c.*1004T>C (NM_001190468.1, NM_001190469.1, NM_001278098.1 and 1 more transcripts).
Identifiers: ClinVar variation 353506 (VCV000353506.5), dbSNP rs79370077, ClinGen allele CA10621779.

ClinVar aggregate classification (germline): Benign (1 of 4 stars; one submission).

Conditions:
Hirschsprung disease, susceptibility to, 3. Identifiers: Orphanet 388, MedGen C3150974, MONDO:0013383, OMIM 613711.

Allele frequency attached by ClinVar (database versions not stated): gnomAD 0.00291 and 0.00306; TOPMed 0.00338; 1000 Genomes Project 0.00379.

Submission:

Illumina Laboratory Services, Illumina
Classification: Benign for Hirschsprung disease, susceptibility to, 3. Last evaluated: 2018-01-13. Review status: criteria provided, single submitter. Criteria: ICSL Variant Classification Criteria 13 December 2019. Collection method: clinical testing. Allele origin: germline.
Comment: This variant was observed in the ICSL laboratory as part of a predisposition screen in an ostensibly healthy population. It had not been previously curated by ICSL or reported in the Human Gene Mutation Database (HGMD: prior to June 1st, 2018), and was therefore a candidate for classification through an automated scoring system. Utilizing variant allele frequency, disease prevalence and penetrance estimates, and inheritance mode, an automated score was calculated to assess if this variant is too frequent to cause the disease. Based on the score and internal cut-off values, a variant classified as benign is not then subjected to further curation. The score for this variant resulted in a classification of benign for this disease.